The following is an entry in ClinVar:

NM_001256789.3(CACNA1F):c.3652T>C (p.Phe1218Leu)

Gene: CACNA1F (calcium voltage-gated channel subunit alpha1 F; minus strand). Cytogenetic location: Xp11.23.
Variant type: single nucleotide variant.
Coding change: c.3652T>C on transcript NM_001256789.3 (MANE Select); coding-DNA position 3652, T replaced by C.
Protein change: p.Phe1218Leu; replaces phenylalanine 1218 with leucine.
Molecular consequence: missense variant.
Genome position (GRCh38, 1-based): chrX:49,214,215, A>G on the plus strand (T>C on the coding strand, the complement: CACNA1F is on the minus strand). VCF-style: chrX-49214215-A-G. GRCh37 (hg19) VCF-style: chrX-49070675-A-G.
Other names: c.3490T>C, p.Phe1164Leu (NM_001256790.3); c.3685T>C, p.Phe1229Leu (NM_005183.4); short protein forms F1164L, F1218L, F1229L.
Identifiers: ClinVar variation 1009856 (VCV001009856.10), dbSNP rs910396299, ClinGen allele CA329139337.

ClinVar aggregate classification (germline): Uncertain significance (1 of 4 stars; one submission).

Allele frequency attached by ClinVar (database versions not stated): gnomAD exomes below 0.00001 and 0.00001; TOPMed 0.00002; gnomAD 0.00003.
gnomAD v4.1: 6 of 1,204,825 alleles (0.0005%); highest among the groups gnomAD compares: African/African-American, 0.0087%; no homozygotes.

Submission:

Labcorp Genetics (formerly Invitae), Labcorp
Classification: Uncertain significance. Last evaluated: 2023-07-20. Review status: criteria provided, single submitter. Criteria: Invitae Variant Classification Sherloc (09022015). Collection method: clinical testing. Allele origin: germline.
Comment: The frequency data for this variant in the population databases is considered unreliable, as metrics indicate poor data quality at this position in the gnomAD database. In summary, the available evidence is currently insufficient to determine the role of this variant in disease. Therefore, it has been classified as a Variant of Uncertain Significance. Advanced modeling of protein sequence and biophysical properties (such as structural, functional, and spatial information, amino acid conservation, physicochemical variation, residue mobility, and thermodynamic stability) performed at Invitae indicates that this missense variant is not expected to disrupt CACNA1F protein function. ClinVar contains an entry for this variant (Variation ID: 1009856). This variant has not been reported in the literature in individuals affected with CACNA1F-related conditions. This sequence change replaces phenylalanine, which is neutral and non-polar, with leucine, which is neutral and non-polar, at codon 1229 of the CACNA1F protein (p.Phe1229Leu).